The following is an entry in ClinVar:

NM_170606.3(KMT2C):c.3340T>C (p.Cys1114Arg)

Gene: KMT2C (lysine methyltransferase 2C; minus strand). Cytogenetic location: 7q36.1.
Variant type: single nucleotide variant.
Coding change: c.3340T>C on transcript NM_170606.3 (MANE Select); coding-DNA position 3340, T replaced by C.
Protein change: p.Cys1114Arg; replaces cysteine 1114 with arginine.
Molecular consequence: missense variant.
Genome position (GRCh38, 1-based): chr7:152,222,666, A>G on the plus strand (T>C on the coding strand, the complement: KMT2C is on the minus strand). VCF-style: chr7-152222666-A-G. GRCh37 (hg19) VCF-style: chr7-151919751-A-G.
Other names: short protein forms C1114R.
Identifiers: ClinVar variation 3341163 (VCV003341163.1).

ClinVar aggregate classification (germline): Uncertain significance (1 of 4 stars; one submission).

Conditions:
Kleefstra syndrome 2 (KLEFS2). Identifiers: MedGen C4540395, MONDO:0054701, OMIM 617768.

Submission:

Department of Human Genetics, Hannover Medical School
Classification: Uncertain significance for Kleefstra syndrome 2. Last evaluated: 2024-09-30. Review status: criteria provided, single submitter. Criteria: ACMG Guidelines, 2015. Collection method: clinical testing. Allele origin: germline. Affected: yes.
Comment: ACMG: PM2_Supporting, PP3_Moderate, BP1